The following is an entry in ClinVar:

ClinVar aggregate classification (germline): Likely benign. Review status: criteria provided, multiple submitters, no conflicts (2 of 4 stars). 3 submissions from 3 submitters: Likely benign (3). Last evaluated 2025-08-01.

Conditions:
Medulloblastoma (MDB). Also called: Medulloblastoma, somatic; MEDULLOBLASTOMA PREDISPOSITION SYNDROME. Identifiers: Orphanet 616, MedGen C0025149, MeSH D008527, MONDO:0007959, OMIM 155255, HP:0002885.
Gorlin syndrome. Also called: Nevoid Basal Cell Carcinoma Syndrome; Basal cell nevus syndrome. Identifiers: Orphanet 377, MedGen C0004779, MONDO:0007187.
Hereditary cancer-predisposing syndrome. Also called: Hereditary Cancer Syndrome; Neoplastic Syndromes, Hereditary; Hereditary neoplastic syndrome; Tumor predisposition. Identifiers: Orphanet 140162, MedGen C0027672, MeSH D009386, MONDO:0015356.

gnomAD v4.1: 7 of 1,613,982 alleles (0.00043%); highest among the groups gnomAD compares: Non-Finnish European, 0.00059%; no homozygotes.

Submissions (3):

CeGaT Center for Human Genetics Tuebingen
Classification: Likely benign. Last evaluated: 2025-08-01. Review status: criteria provided, single submitter. Criteria: CeGaT Center For Human Genetics Tuebingen Variant Classification Criteria Version 2. Collection method: clinical testing. Allele origin: germline. Affected: yes. Observed: 1 variant allele.
Comment: SUFU: BP4, BP7

Labcorp Genetics (formerly Invitae), Labcorp
Classification: Likely benign for Gorlin syndrome; Medulloblastoma. Last evaluated: 2024-11-26. Review status: criteria provided, single submitter. Criteria: Invitae Variant Classification Sherloc (09022015). Collection method: clinical testing. Allele origin: germline.

Ambry Genetics
Classification: Likely benign for Hereditary cancer-predisposing syndrome. Last evaluated: 2023-08-29. Review status: criteria provided, single submitter. Criteria: Ambry Variant Classification Scheme 2023. Collection method: clinical testing. Allele origin: germline.

NM_016169.4(SUFU):c.846C>G (p.Pro282=)

Gene: SUFU (SUFU negative regulator of hedgehog signaling; plus strand). Cytogenetic location: 10q24.32.
Variant type: single nucleotide variant.
Coding change: c.846C>G on transcript NM_016169.4 (MANE Select); coding-DNA position 846, C replaced by G.
Protein change: p.Pro282=; no amino-acid change (proline 282 retained).
Molecular consequence: synonymous variant.
Genome position (GRCh38, 1-based): chr10:102,597,229, C>G. VCF-style: chr10-102597229-C-G. GRCh37 (hg19) VCF-style: chr10-104356986-C-G.
Other names: c.846C>G (NM_016169.3); c.846C>G, p.Pro282= (NM_001178133.2).
Identifiers: ClinVar variation 1629498 (VCV001629498.18), dbSNP rs762558038, ClinGen allele CA212267711.